The following is an entry in ClinVar:

ClinVar aggregate classification (germline): Likely benign. Review status: criteria provided, multiple submitters, no conflicts (2 of 4 stars). 2 submissions from 2 submitters: Likely benign (2). Last evaluated 2025-05-27.

Conditions:
Epilepsy, childhood absence, susceptibility to, 1. Also called: Epilepsy, childhood absence 1. Identifiers: Orphanet 64280, MedGen C1838604, MONDO:0020759, OMIM 600131.
Epilepsy, childhood absence, susceptibility to, 5. Identifiers: Orphanet 64280, MedGen C2677087, MONDO:0012843, OMIM 612269.

Allele frequency attached by ClinVar (database versions not stated): gnomAD exomes below 0.00001 and 0.00001.
gnomAD v4.1: 7 of 1,578,888 alleles (0.00044%); highest among the groups gnomAD compares: Non-Finnish European, 0.0006%; no homozygotes.

Submissions (2):

Labcorp Genetics (formerly Invitae), Labcorp
Classification: Likely benign for Epilepsy, childhood absence, susceptibility to, 5; Epilepsy, childhood absence, susceptibility to, 1. Last evaluated: 2025-05-27. Review status: criteria provided, single submitter. Criteria: Invitae Variant Classification Sherloc (09022015). Collection method: clinical testing. Allele origin: germline.

GeneDx
Classification: Likely benign. Last evaluated: 2017-01-04. Review status: criteria provided, single submitter. Criteria: GeneDx Variant Classification (06012015). Collection method: clinical testing. Allele origin: germline. Affected: yes.
Comment: This variant is considered likely benign or benign based on one or more of the following criteria: it is a conservative change, it occurs at a poorly conserved position in the protein, it is predicted to be benign by multiple in silico algorithms, and/or has population frequency not consistent with disease.

NM_000814.6(GABRB3):c.154C>T (p.Leu52=)

Gene: GABRB3 (gamma-aminobutyric acid type A receptor subunit beta3; minus strand). Cytogenetic location: 15q12.
Variant type: single nucleotide variant.
Coding change: c.154C>T on transcript NM_000814.6 (MANE Select); coding-DNA position 154, C replaced by T.
Protein change: p.Leu52=; no amino-acid change (leucine 52 retained).
Molecular consequence: synonymous variant. On other transcripts: 5 prime UTR variant (1).
Genome position (GRCh38, 1-based): chr15:26,772,699, G>A on the plus strand (C>T on the coding strand, the complement: GABRB3 is on the minus strand). VCF-style: chr15-26772699-G-A. GRCh37 (hg19) VCF-style: chr15-27017846-G-A.
Other names: c.-198C>T (NM_001278631.2); c.154C>T, p.Leu52= (NM_021912.5).
Identifiers: ClinVar variation 392259 (VCV000392259.4), dbSNP rs1057524415, ClinGen allele CA16607764.
Genomic context (GRCh38, chr15:26,772,699, plus strand): 5'-GTGGGTCGCGCTTCCCGCAACGGCCGCGCGCAGCCCACTTACCCCCGAAGTCGGGTCTTA[G>A]GCGAATGTCGTAGCCTTTCAACAGCTTGTCCACCGTCTCCTTCACAAAGGACATGTTCCC-3'
Protein context (NP_000805.1, residues 42-62): DKLLKGYDIR[Leu52=]RPDFGGPPVC